The following is an entry in ClinVar:

ClinVar aggregate classification (germline): Uncertain significance (1 of 4 stars; one submission).

Allele frequency attached by ClinVar (database versions not stated): gnomAD exomes below 0.00001; gnomAD 0.00001.
gnomAD v4.1: 2 of 1,612,738 alleles (0.00012%); highest among the groups gnomAD compares: Non-Finnish European, 0.000085%; no homozygotes.

Submission:

Labcorp Genetics (formerly Invitae), Labcorp
Classification: Uncertain significance. Last evaluated: 2024-01-04. Review status: criteria provided, single submitter. Criteria: Invitae Variant Classification Sherloc (09022015). Collection method: clinical testing. Allele origin: germline.
Comment: This sequence change replaces tyrosine, which is neutral and polar, with cysteine, which is neutral and slightly polar, at codon 152 of the POLE protein (p.Tyr152Cys). This variant is present in population databases (no rsID available, gnomAD 0.004%). This variant has not been reported in the literature in individuals affected with POLE-related conditions. Advanced modeling of protein sequence and biophysical properties (such as structural, functional, and spatial information, amino acid conservation, physicochemical variation, residue mobility, and thermodynamic stability) performed at Invitae indicates that this missense variant is not expected to disrupt POLE protein function with a negative predictive value of 80%. In summary, the available evidence is currently insufficient to determine the role of this variant in disease. Therefore, it has been classified as a Variant of Uncertain Significance.

NM_006231.4(POLE):c.455A>G (p.Tyr152Cys)

Gene: POLE (DNA polymerase epsilon, catalytic subunit; minus strand). Cytogenetic location: 12q24.33.
Variant type: single nucleotide variant.
Coding change: c.455A>G on transcript NM_006231.4 (MANE Select); coding-DNA position 455, A replaced by G.
Protein change: p.Tyr152Cys; replaces tyrosine 152 with cysteine.
Molecular consequence: missense variant.
Genome position (GRCh38, 1-based): chr12:132,679,620, T>C on the plus strand (A>G on the coding strand, the complement: POLE is on the minus strand). VCF-style: chr12-132679620-T-C. GRCh37 (hg19) VCF-style: chr12-133256206-T-C.
Other names: short protein forms Y152C.
Identifiers: ClinVar variation 2729860 (VCV002729860.3), dbSNP rs1277577016, ClinGen allele CA387367476.
Genomic context (GRCh38, chr12:132,679,620, plus strand): 5'-GGGGAGATCTCCTTCCTCACTTTGACAAGATCCTCCACAGTGTGGAAGGACAGCCTGATG[T>C]AATTTCGCTTCAAACCCACCAAGTGATTTGGCTATAATGCGAAGAGATCACGCTCATTGG-3'
Protein context (NP_006222.2, residues 142-162): PNHLVGLKRN[Tyr152Cys]IRLSFHTVED